The following is an entry in ClinVar:

ClinVar aggregate classification (germline): Likely benign (0 of 4 stars; one submission).

Conditions:
ITGA4-related disorder. Also called: ITGA4-related condition.

Allele frequency attached by ClinVar (database versions not stated): gnomAD 0.00002; gnomAD exomes 0.00002; TOPMed 0.00003; ExAC 0.00004.
gnomAD v4.1: 31 of 1,603,656 alleles (0.0019%); highest among the groups gnomAD compares: East Asian, 0.0045%; no homozygotes.

Submission:

PreventionGenetics, part of Exact Sciences
Classification: Likely benign for ITGA4-related condition. Last evaluated: 2019-04-08. Review status: no assertion criteria provided. Collection method: clinical testing. Allele origin: germline.
Comment: This variant is classified as likely benign based on ACMG/AMP sequence variant interpretation guidelines (Richards et al. 2015 PMID: 25741868, with internal and published modifications).

NM_000885.6(ITGA4):c.1074C>T (p.Leu358=)

Gene: ITGA4 (integrin subunit alpha 4; plus strand). Cytogenetic location: 2q31.3.
Variant type: single nucleotide variant.
Coding change: c.1074C>T on transcript NM_000885.6 (MANE Select); coding-DNA position 1074, C replaced by T.
Protein change: p.Leu358=; no amino-acid change (leucine 358 retained).
Molecular consequence: synonymous variant.
Genome position (GRCh38, 1-based): chr2:181,485,913, C>T. VCF-style: chr2-181485913-C-T. GRCh37 (hg19) VCF-style: chr2-182350640-C-T.
Identifiers: ClinVar variation 3057404 (VCV003057404.2), dbSNP rs200722520, ClinGen allele CA2009521.